The following is an entry in ClinVar:

NM_003848.4(SUCLG2):c.1181A>C (p.Glu394Ala)

Gene: SUCLG2 (succinate-CoA ligase GDP-forming subunit beta; minus strand). Cytogenetic location: 3p14.1.
Variant type: single nucleotide variant.
Coding change: c.1181A>C on transcript NM_003848.4 (MANE Select); coding-DNA position 1181, A replaced by C.
Protein change: p.Glu394Ala; replaces glutamic acid 394 with alanine.
Molecular consequence: missense variant.
Genome position (GRCh38, 1-based): chr3:67,400,733, T>G on the plus strand (A>C on the coding strand, the complement: SUCLG2 is on the minus strand). VCF-style: chr3-67400733-T-G. GRCh37 (hg19) VCF-style: chr3-67451157-T-G.
Other names: c.1181A>C, p.Glu394Ala (NM_001177599.2); short protein forms E394A.
Identifiers: ClinVar variation 4703991 (VCV004703991.1).

ClinVar aggregate classification (germline): Uncertain significance (1 of 4 stars; one submission).

gnomAD v4.1: 3 of 1,611,670 alleles (0.00019%); highest among the groups gnomAD compares: Non-Finnish European, 0.00025%; no homozygotes.

Submission:

Labcorp Genetics (formerly Invitae), Labcorp
Classification: Uncertain significance. Last evaluated: 2025-03-23. Review status: criteria provided, single submitter. Criteria: Invitae Variant Classification Sherloc (09022015). Collection method: clinical testing. Allele origin: germline.
Comment: This sequence change replaces glutamic acid, which is acidic and polar, with alanine, which is neutral and non-polar, at codon 394 of the SUCLG2 protein (p.Glu394Ala). This variant is not present in population databases (gnomAD no frequency). This variant has not been reported in the literature in individuals affected with SUCLG2-related conditions. An algorithm developed to predict the effect of missense changes on protein structure and function (PolyPhen-2) suggests that this variant is likely to be tolerated. In summary, the available evidence is currently insufficient to determine the role of this variant in disease. Therefore, it has been classified as a Variant of Uncertain Significance.